The following is an entry in ClinVar:

ClinVar aggregate classification (germline): Uncertain significance (1 of 4 stars; one submission).

Conditions:
Joubert syndrome 21 (JBTS21). Identifiers: MedGen C3810212, MONDO:0014288, OMIM 615636.

Submission:

Labcorp Genetics (formerly Invitae), Labcorp
Classification: Uncertain significance for Joubert syndrome 21. Last evaluated: 2018-11-08. Review status: criteria provided, single submitter. Criteria: Invitae Variant Classification Sherloc (09022015). Collection method: clinical testing. Allele origin: germline.
Comment: This variant has not been reported in the literature in individuals with CSPP1-related disease. In summary, the available evidence is currently insufficient to determine the role of this variant in disease. Therefore, it has been classified as a Variant of Uncertain Significance. Algorithms developed to predict the effect of missense changes on protein structure and function are either unavailable or do not agree on the potential impact of this missense change (SIFT: "Deleterious"; PolyPhen-2: "Probably Damaging"; Align-GVGD: "Class C0"). This variant is not present in population databases (ExAC no frequency). This sequence change replaces glutamic acid with glycine at codon 907 of the CSPP1 protein (p.Glu907Gly). The glutamic acid residue is moderately conserved and there is a moderate physicochemical difference between glutamic acid and glycine.

NM_001382391.1(CSPP1):c.2735A>G (p.Glu912Gly)

Gene: CSPP1 (centrosome and spindle pole associated protein 1; plus strand). Cytogenetic location: 8q13.2.
Variant type: single nucleotide variant.
Coding change: c.2735A>G on transcript NM_001382391.1 (MANE Select); coding-DNA position 2735, A replaced by G.
Protein change: p.Glu912Gly; replaces glutamic acid 912 with glycine.
Molecular consequence: missense variant.
Genome position (GRCh38, 1-based): chr8:67,164,415, A>G. VCF-style: chr8-67164415-A-G. GRCh37 (hg19) VCF-style: chr8-68076650-A-G.
Other names: c.1685A>G, p.Glu562Gly (NM_001291339.2); c.2654A>G, p.Glu885Gly (NM_001363131.2); c.2540A>G, p.Glu847Gly (NM_001363132.2); c.2459A>G, p.Glu820Gly (NM_001363133.2); c.2801A>G, p.Glu934Gly (NM_001364869.1); c.2621A>G, p.Glu874Gly (NM_001364870.1); c.2720A>G, p.Glu907Gly (NM_024790.7); short protein forms E820G, E874G, E562G, E885G, E907G, E847G, E934G, E912G.
Identifiers: ClinVar variation 659475 (VCV000659475.8), dbSNP rs1586651470, ClinGen allele CA371193129.